The following is an entry in ClinVar:

ClinVar aggregate classification (germline): Uncertain significance (1 of 4 stars; one submission).

Submission:

CeGaT Center for Human Genetics Tuebingen
Classification: Uncertain significance. Last evaluated: 2025-12-01. Review status: criteria provided, single submitter. Criteria: CeGaT Center For Human Genetics Tuebingen Variant Classification Criteria Version 2. Collection method: clinical testing. Allele origin: germline. Affected: yes. Observed: 1 variant allele.
Comment: ANGPT2: PM2, BP4

NM_001118887.2(ANGPT2):c.29G>A (p.Ser10Asn)

Genes: ANGPT2 (angiopoietin 2; minus strand), MCPH1 (microcephalin 1; plus strand). Cytogenetic location: 8p23.1.
Variant type: single nucleotide variant.
Coding change: c.29G>A on transcript NM_001118887.2 (MANE Select); coding-DNA position 29, G replaced by A.
Protein change: p.Ser10Asn; replaces serine 10 with asparagine.
Molecular consequence: missense variant. On other transcripts: intron variant (5).
Genome position (GRCh38, 1-based): chr8:6,562,906, C>T on the plus strand (G>A on the coding strand, the complement: ANGPT2 is on the minus strand). VCF-style: chr8-6562906-C-T. GRCh37 (hg19) VCF-style: chr8-6420427-C-T.
Other names: c.29G>A, p.Ser10Asn (NM_001118888.2, NM_001147.3, NM_001386335.1 and 2 more transcripts); c.2215-58548C>T (NM_001322042.2, NM_024596.5, NM_001363979.1 and 1 more transcripts); c.1936-58548C>T (NM_001363980.2); short protein forms S10N.
Identifiers: ClinVar variation 4681944 (VCV004681944.5).